The following is an entry in ClinVar:

NM_001267550.2(TTN):c.104421A>C (p.Arg34807Ser)

Genes: TTN (titin; minus strand), TTN-AS1 (TTN antisense RNA 1; plus strand). Cytogenetic location: 2q31.2.
Variant type: single nucleotide variant.
Coding change: c.104421A>C on transcript NM_001267550.2 (MANE Select); coding-DNA position 104421, A replaced by C.
Protein change: p.Arg34807Ser; replaces arginine 34807 with serine.
Molecular consequence: missense variant.
Genome position (GRCh38, 1-based): chr2:178,532,194, T>G on the plus strand (A>C on the coding strand, the complement: TTN is on the minus strand). VCF-style: chr2-178532194-T-G. GRCh37 (hg19) VCF-style: chr2-179396921-T-G.
Other names: c.99498A>C, p.Arg33166Ser (NM_001256850.1); c.77226A>C, p.Arg25742Ser (NM_003319.4); c.96717A>C, p.Arg32239Ser (NM_133378.4); c.77601A>C, p.Arg25867Ser (NM_133432.3); c.77802A>C, p.Arg25934Ser (NM_133437.4); short protein forms R25742S, R25934S, R34807S, R25867S, R33166S, R32239S.
Identifiers: ClinVar variation 1479779 (VCV001479779.6), dbSNP rs2154134105, ClinGen allele CA349411770.

ClinVar aggregate classification (germline): Uncertain significance (1 of 4 stars; one submission).

Conditions:
Dilated cardiomyopathy 1G (CMD1G). Identifiers: Orphanet 154, MedGen C1858763, MONDO:0011400, OMIM 604145.
Autosomal recessive limb-girdle muscular dystrophy type 2J (LGMDR10). Also called: Limb-girdle muscular dystrophy, type 2J; MUSCULAR DYSTROPHY, LIMB-GIRDLE, AUTOSOMAL RECESSIVE 10. Identifiers: Orphanet 140922, MedGen C1837342, MONDO:0012127, OMIM 608807.

Submission:

Labcorp Genetics (formerly Invitae), Labcorp
Classification: Uncertain significance for Dilated cardiomyopathy 1G; Autosomal recessive limb-girdle muscular dystrophy type 2J. Last evaluated: 2021-04-06. Review status: criteria provided, single submitter. Criteria: Invitae Variant Classification Sherloc (09022015). Collection method: clinical testing. Allele origin: germline.
Comment: This variant is located in the M band of TTN (PMID: 25589632). Variants in this region may be relevant for neuromuscular disorders, but have not been definitively shown to cause cardiomyopathy (PMID: 23975875). In summary, the available evidence is currently insufficient to determine the role of this variant in disease. Therefore, it has been classified as a Variant of Uncertain Significance. Experimental studies and prediction algorithms are not available or were not evaluated, and the functional significance of this variant is currently unknown. This variant has not been reported in the literature in individuals with TTN-related conditions. This variant is not present in population databases (ExAC no frequency). This sequence change replaces arginine with serine at codon 34807 of the TTN protein (p.Arg34807Ser). There is a moderate physicochemical difference between arginine and serine.

Literature cited by the submitters: PubMed 25589632; PubMed 23975875.